The following is an entry in ClinVar:

ClinVar aggregate classification (germline): Uncertain significance (1 of 4 stars; one submission).

gnomAD v4.1: 5 of 1,614,232 alleles (0.00031%); highest among the groups gnomAD compares: South Asian, 0.0022%; no homozygotes.

Submission:

Labcorp Genetics (formerly Invitae), Labcorp
Classification: Uncertain significance. Last evaluated: 2024-05-21. Review status: criteria provided, single submitter. Criteria: Invitae Variant Classification Sherloc (09022015). Collection method: clinical testing. Allele origin: germline.
Comment: This sequence change replaces arginine, which is basic and polar, with glutamine, which is neutral and polar, at codon 146 of the AK7 protein (p.Arg146Gln). This variant is not present in population databases (gnomAD no frequency). This variant has not been reported in the literature in individuals affected with AK7-related conditions. Advanced modeling of protein sequence and biophysical properties (such as structural, functional, and spatial information, amino acid conservation, physicochemical variation, residue mobility, and thermodynamic stability) performed at Invitae indicates that this missense variant is not expected to disrupt AK7 protein function with a negative predictive value of 80%. In summary, the available evidence is currently insufficient to determine the role of this variant in disease. Therefore, it has been classified as a Variant of Uncertain Significance.

NM_152327.5(AK7):c.437G>A (p.Arg146Gln)

Gene: AK7 (adenylate kinase 7; plus strand). Cytogenetic location: 14q32.2.
Variant type: single nucleotide variant.
Coding change: c.437G>A on transcript NM_152327.5 (MANE Select); coding-DNA position 437, G replaced by A.
Protein change: p.Arg146Gln; replaces arginine 146 with glutamine.
Molecular consequence: missense variant.
Genome position (GRCh38, 1-based): chr14:96,408,880, G>A. VCF-style: chr14-96408880-G-A. GRCh37 (hg19) VCF-style: chr14-96875217-G-A.
Other names: c.437G>A, p.Arg146Gln (NM_001350888.2, NM_001350890.2, NM_001350891.2 and 1 more transcripts); short protein forms R146Q.
Identifiers: ClinVar variation 3636384 (VCV003636384.2).
Genomic context (GRCh38, chr14:96,408,880, plus strand): 5'-TAACCACTCTGCTTTTTGGCCCCACAGCACTCAGTGAAGAAGTCAGCCACTTTGAAAAGC[G>A]AAAGCTATTTATTTTACTGTCGACGGTGATGACTTGGGCGCGCTCCAAAGCCCTGGACCC-3'
Protein context (NP_689540.2, residues 136-156): LSEEVSHFEK[Arg146Gln]KLFILLSTVM